The following is an entry in ClinVar:

ClinVar aggregate classification (germline): Uncertain significance (1 of 4 stars; one submission).

Conditions:
Malignant hyperthermia, susceptibility to, 1 (MHS1). Also called: Anesthesia related hyperthermia; Malignant hyperpyrexia; Fulminating hyperpyrexia; Pharmacogenic myopathy; RYR1-Related Malignant Hyperthermia Susceptibility; Malignant hyperthermia suceptibility 1. Identifiers: Orphanet 423, MedGen C2930980, MONDO:0007783, OMIM 145600.

Allele frequency attached by ClinVar (database versions not stated): gnomAD exomes below 0.00001.
gnomAD v4.1: 4 of 1,613,998 alleles (0.00025%); highest among the groups gnomAD compares: Non-Finnish European, 0.00034%; no homozygotes.

Submission:

All of Us Research Program, National Institutes of Health
Classification: Uncertain significance for Malignant hyperthermia, susceptibility to, 1. Last evaluated: 2023-08-28. Review status: criteria provided, single submitter. Criteria: ACMG Guidelines, 2015. Collection method: clinical testing. Allele origin: germline. Inheritance: Autosomal dominant inheritance. Observed: 1 variant allele, 1 heterozygote.
Comment: This variant is located in the RYR1 protein. To our knowledge, functional studies have not been reported for this variant. This variant has not been reported in individuals affected with RYR1-related disorders in the literature. This variant has not been identified in the general population by the Genome Aggregation Database (gnomAD). The available evidence is insufficient to determine the role of this variant in disease conclusively. Therefore, this variant is classified as a Variant of Uncertain Significance.

This study involves interpretation of variants in research participants for the purpose of population health screening. Participant phenotype was not available at the time of variant classification. Additional details can be found in publication PMID: 35346344, PMCID: PMC8962531

NM_000540.3(RYR1):c.14058C>T (p.Gly4686=)

Gene: RYR1 (ryanodine receptor 1; plus strand). Cytogenetic location: 19q13.2.
Variant type: single nucleotide variant.
Coding change: c.14058C>T on transcript NM_000540.3 (MANE Select); coding-DNA position 14058, C replaced by T.
Protein change: p.Gly4686=; no amino-acid change (glycine 4686 retained).
Molecular consequence: synonymous variant.
Genome position (GRCh38, 1-based): chr19:38,573,236, C>T. VCF-style: chr19-38573236-C-T. GRCh37 (hg19) VCF-style: chr19-39063876-C-T.
Other names: c.14043C>T, p.Gly4681= (NM_001042723.2).
Identifiers: ClinVar variation 3073200 (VCV003073200.1), dbSNP rs886038322, ClinGen allele CA507245157.